The following is an entry in ClinVar:

NM_000361.3(THBD):c.1537G>C (p.Val513Leu)

Gene: THBD (thrombomodulin; minus strand). Cytogenetic location: 20p11.21.
Variant type: single nucleotide variant.
Coding change: c.1537G>C on transcript NM_000361.3 (MANE Select); coding-DNA position 1537, G replaced by C.
Protein change: p.Val513Leu; replaces valine 513 with leucine.
Molecular consequence: missense variant.
Genome position (GRCh38, 1-based): chr20:23,047,968, C>G on the plus strand (G>C on the coding strand, the complement: THBD is on the minus strand). VCF-style: chr20-23047968-C-G. GRCh37 (hg19) VCF-style: chr20-23028605-C-G.
Other names: short protein forms V513L.
Identifiers: ClinVar variation 2983065 (VCV002983065.5), dbSNP rs1373660567, ClinGen allele CA408405331.
Genomic context (GRCh38, chr20:23,047,968, plus strand): 5'-AAAGCGCCACCACCAGGCACAGGCTCGCGATGGAGATGCCTATGAGCAAGCCCGAATGCA[C>G]GAGCCCCACGGCCGGAGGAGTCAAGGTGGAGCCGGGCGTCGGGCTGGGCGGGGGCTCGCC-3'
Protein context (NP_000352.1, residues 503-523): STLTPPAVGL[Val513Leu]HSGLLIGISI

ClinVar aggregate classification (germline): Uncertain significance. Review status: criteria provided, single submitter (1 of 4 stars). 2 submissions from 2 submitters: Uncertain significance (1). 1 of the submissions does not count toward it. Last evaluated 2023-10-31.

Conditions:
THBD-related disorder. Also called: THBD-related condition.

Submissions (2):

Labcorp Genetics (formerly Invitae), Labcorp
Classification: Uncertain significance. Last evaluated: 2023-10-31. Review status: criteria provided, single submitter. Criteria: Invitae Variant Classification Sherloc (09022015). Collection method: clinical testing. Allele origin: germline.
Comment: This sequence change replaces valine, which is neutral and non-polar, with leucine, which is neutral and non-polar, at codon 513 of the THBD protein (p.Val513Leu). This variant is not present in population databases (gnomAD no frequency). This variant has not been reported in the literature in individuals affected with THBD-related conditions. Advanced modeling of protein sequence and biophysical properties (such as structural, functional, and spatial information, amino acid conservation, physicochemical variation, residue mobility, and thermodynamic stability) performed at Invitae indicates that this missense variant is not expected to disrupt THBD protein function with a negative predictive value of 80%. In summary, the available evidence is currently insufficient to determine the role of this variant in disease. Therefore, it has been classified as a Variant of Uncertain Significance.

PreventionGenetics, part of Exact Sciences
Classification: Uncertain significance for THBD-related condition. Last evaluated: 2024-02-15. Review status: no assertion criteria provided. Collection method: clinical testing. Allele origin: germline. Not counted in ClinVar's aggregate classification.
Comment: The THBD c.1537G>C variant is predicted to result in the amino acid substitution p.Val513Leu. To our knowledge, this variant has not been reported in the literature or in a large population database, indicating this variant is rare. At this time, the clinical significance of this variant is uncertain due to the absence of conclusive functional and genetic evidence.